The following is an entry in ClinVar:

NM_006846.4(SPINK5):c.2964G>A (p.Leu988=)

Gene: SPINK5 (serine peptidase inhibitor Kazal type 5; plus strand). Cytogenetic location: 5q32.
Variant type: single nucleotide variant.
Coding change: c.2964G>A on transcript NM_006846.4 (MANE Select); coding-DNA position 2964, G replaced by A.
Protein change: p.Leu988=; no amino-acid change (leucine 988 retained).
Molecular consequence: synonymous variant.
Genome position (GRCh38, 1-based): chr5:148,127,079, G>A. VCF-style: chr5-148127079-G-A. GRCh37 (hg19) VCF-style: chr5-147506642-G-A.
Other names: c.3054G>A, p.Leu1018= (NM_001127698.2).
Identifiers: ClinVar variation 393079 (VCV000393079.2), dbSNP rs760791426, ClinGen allele CA3496188.

ClinVar aggregate classification (germline): Uncertain significance (1 of 4 stars; one submission).

Allele frequency attached by ClinVar (database versions not stated): gnomAD exomes 0.00001 and 0.00003; TOPMed 0.00002; ExAC 0.00003.
gnomAD v4.1: 8 of 1,609,402 alleles (0.0005%); highest among the groups gnomAD compares: Admixed American, 0.013%; no homozygotes.

Submission:

GeneDx
Classification: Uncertain significance. Last evaluated: 2017-01-15. Review status: criteria provided, single submitter. Criteria: GeneDx Variant Classification (06012015). Collection method: clinical testing. Allele origin: germline. Affected: yes.
Comment: The c.2964 G>A variant in the SPINK5 gene represents a silent nucleotide change (L988L), which has not been reported previously as a pathogenic variant, nor as a benign variant, to our knowledge. It was not observed in approximately 5,800 individuals of European and African American ancestry in the NHLBI Exome Sequencing Project, indicating it is not a common benign variant in these populations. This nucleotide change results in a synonymous amino acid substitution at a position that is conserved in mammals. Additionally, several splice algorithms predict that it alters the natural splice donor site at the exon 30/intron 30 boundary. Nevertheless, in the absence of functional studies, we interpret c.2964 G>A as a variant of uncertain significance.